The following is an entry in ClinVar:

NM_001360016.2(G6PD):c.[376A>G;463C>G]

Variant type: Haplotype.
Identifiers: ClinVar variation 1722726 (VCV001722726.2).

ClinVar aggregate classification (germline): Likely pathogenic (1 of 4 stars; one submission).

Conditions:
Anemia, nonspherocytic hemolytic, due to G6PD deficiency (CNSHA1). Also called: Hemolytic anemia due to G6PD deficiency; Favism, susceptibility to; Class I glucose-6-phosphate dehydrogenase deficiency; ANEMIA, CONGENITAL, NONSPHEROCYTIC HEMOLYTIC, 1. Identifiers: Orphanet 466026, MedGen C2720289, MONDO:0010480, OMIM 300908.

Submission:

Dunham Lab, University of Washington
Classification: Likely pathogenic for Anemia, nonspherocytic hemolytic, due to G6PD deficiency. Last evaluated: 2022-08-12. Review status: criteria provided, single submitter. Criteria: Bayesian ACMG Guidelines, 2018. Collection method: curation. Allele origin: unknown. Affected: yes.
Comment: Decreased activity in red blood cells of hemizygote and when expressed in E. coli (PS3). 463C>G not observed in gnomAD (PM2). Post_P 0.949 (odds of pathogenicity 168.4, Prior_P 0.1).

Literature cited by the submitters: PubMed 10782016; PubMed 32387609.